The following is an entry in ClinVar:

ClinVar aggregate classification (germline): Pathogenic (1 of 4 stars; one submission).

Conditions:
Kleefstra syndrome 1 (KLEFS1). Identifiers: Orphanet 261494, MedGen C0795833, MONDO:0027407, OMIM 610253.

Submission:

Laboratory of Genetics, Children's Clinical University Hospital Latvia
Classification: Pathogenic for Kleefstra syndrome 1. Review status: criteria provided, single submitter. Criteria: ACMG Guidelines, 2015. Collection method: curation. Allele origin: de novo. Affected: yes.
Comment: de novo

Literature cited by the submitters: PubMed 39013458.

NM_024757.5(EHMT1):c.1968dup (p.Gln657fs)

Gene: EHMT1 (euchromatic histone lysine methyltransferase 1; plus strand). Cytogenetic location: 9q34.3.
Variant type: Duplication.
Coding change: c.1968dup on transcript NM_024757.5 (MANE Select); coding-DNA position 1968, one base duplicated (G; older notation c.1968dupG).
Protein change: p.Gln657fs; shifts the reading frame from glutamine 657.
Molecular consequence: frameshift variant.
Genome position (GRCh38, 1-based): chr9:137,776,794, G duplicated; the last of 3 consecutive G bases (chr9:137,776,792-137,776,794); duplicating any one gives the same sequence. VCF-style (leftmost placement, unchanged base first): chr9-137776791-C-CG. GRCh37 (hg19) VCF-style: chr9-140671243-C-CG.
Other names: c.1968dup, p.Gln657fs (NM_001145527.2); c.1875dup, p.Gln626fs (NM_001354259.2); c.1947dup, p.Gln650fs (NM_001354263.2); short protein forms Q626fs, Q650fs, Q657fs.
Identifiers: ClinVar variation 3236867 (VCV003236867.1).